The following is an entry in ClinVar:

NM_207037.2(TCF12):c.1449C>A (p.Ser483Arg)

Gene: TCF12 (transcription factor 12; plus strand). Cytogenetic location: 15q21.3.
Variant type: single nucleotide variant.
Coding change: c.1449C>A on transcript NM_207037.2 (MANE Select); coding-DNA position 1449, C replaced by A.
Protein change: p.Ser483Arg; replaces serine 483 with arginine.
Molecular consequence: missense variant.
Genome position (GRCh38, 1-based): chr15:57,253,450, C>A. VCF-style: chr15-57253450-C-A. GRCh37 (hg19) VCF-style: chr15-57545648-C-A.
Other names: c.939C>A, p.Ser313Arg (NM_001306219.3); c.669C>A, p.Ser223Arg (NM_001306220.3); c.1449C>A, p.Ser483Arg (NM_001322151.2, NM_001322152.2, NM_001322159.3 and 2 more transcripts); c.792C>A, p.Ser264Arg (NM_001322154.2); c.1275C>A, p.Ser425Arg (NM_001322156.2); c.1377C>A, p.Ser459Arg (NM_001322157.3, NM_001322165.2, NM_003205.4 and 1 more transcripts); c.1203C>A, p.Ser401Arg (NM_001322158.2); c.1446C>A, p.Ser482Arg (NM_001322161.2); and 2 more; short protein forms S223R, S264R, S289R, S313R, S401R, S425R, S459R, S471R.
Identifiers: ClinVar variation 3233485 (VCV003233485.2), dbSNP rs767918783, ClinGen allele CA392587568.

ClinVar aggregate classification (germline): Uncertain significance (1 of 4 stars; one submission).

gnomAD v4.1: 1 of 1,614,048 alleles (0.000062%); highest among the groups gnomAD compares: Admixed American, 0.0017%; no homozygotes.

Submission:

Women's Health and Genetics/Laboratory Corporation of America, LabCorp
Classification: Uncertain significance. Last evaluated: 2024-03-12. Review status: criteria provided, single submitter. Criteria: LabCorp Variant Classification Summary - May 2015. Collection method: clinical testing. Allele origin: germline.
Comment: Variant summary: TCF12 c.1449C>A (p.Ser483Arg) results in a non-conservative amino acid change in the encoded protein sequence. Four of five in-silico tools predict a benign effect of the variant on protein function. The variant allele was found at a frequency of 4e-06 in 251018 control chromosomes. The available data on variant occurrences in the general population are insufficient to allow any conclusion about variant significance. To our knowledge, no occurrence of c.1449C>A in individuals affected with TCF12-Related Craniosynostosis and no experimental evidence demonstrating its impact on protein function have been reported. No submitters have cited clinical-significance assessments for this variant to ClinVar. Based on the evidence outlined above, the variant was classified as uncertain significance.